The following is an entry in ClinVar:

NM_001042492.3(NF1):c.5808dup (p.Ser1937fs)

Gene: NF1 (neurofibromin 1; plus strand). Cytogenetic location: 17q11.2.
Variant type: Duplication.
Coding change: c.5808dup on transcript NM_001042492.3 (MANE Select); coding-DNA position 5808, one base duplicated (A; older notation c.5808dupA).
Protein change: p.Ser1937fs; shifts the reading frame from serine 1937.
Molecular consequence: frameshift variant.
Genome position (GRCh38, 1-based): chr17:31,330,494, A duplicated; the last of 3 consecutive A bases (chr17:31,330,492-31,330,494); duplicating any one gives the same sequence. VCF-style (leftmost placement, unchanged base first): chr17-31330491-C-CA. GRCh37 (hg19) VCF-style: chr17-29657509-C-CA.
Other names: c.5745dup, p.Ser1916Ilefs (NM_000267.4); short protein forms S1916fs, S1937fs.
Identifiers: ClinVar variation 2745049 (VCV002745049.3), dbSNP rs2508719698, ClinGen allele CA2697559561.

ClinVar aggregate classification (germline): Pathogenic (1 of 4 stars; one submission).

Conditions:
Neurofibromatosis, type 1 (NF1). Also called: Peripheral type neurofibromatosis; NEUROFIBROMATOSIS, TYPE I, SOMATIC; VON RECKLINGHAUSEN DISEASE; Neurofibromatosis, type I. Identifiers: Orphanet 636, MedGen C0027831, MONDO:0018975, OMIM 162200. Disease mechanism: loss of function.

Submission:

Labcorp Genetics (formerly Invitae), Labcorp
Classification: Pathogenic for Neurofibromatosis, type 1. Last evaluated: 2024-02-12. Review status: criteria provided, single submitter. Criteria: Invitae Variant Classification Sherloc (09022015). Collection method: clinical testing. Allele origin: germline.
Comment: This sequence change creates a premature translational stop signal (p.Ser1916Ilefs*2) in the NF1 gene. It is expected to result in an absent or disrupted protein product. Loss-of-function variants in NF1 are known to be pathogenic (PMID: 10712197, 23913538). This variant is not present in population databases (gnomAD no frequency). This variant has not been reported in the literature in individuals affected with NF1-related conditions. For these reasons, this variant has been classified as Pathogenic.

Literature cited by the submitters: PubMed 10712197; PubMed 23913538.